The following is an entry in ClinVar:

ClinVar aggregate classification (germline): Uncertain significance (1 of 4 stars; one submission).

Allele frequency attached by ClinVar (database versions not stated): gnomAD 0.00001; TOPMed 0.00002.
gnomAD v4.1: 15 of 1,612,426 alleles (0.00093%); highest among the groups gnomAD compares: Non-Finnish European, 0.0012%; no homozygotes.

Submission:

Ambry Genetics
Classification: Uncertain significance. Last evaluated: 2024-03-20. Review status: criteria provided, single submitter. Criteria: Ambry Variant Classification Scheme 2023. Collection method: clinical testing. Allele origin: germline.
Comment: The p.R215Q variant (also known as c.644G>A), located in coding exon 1 of the EGLN2 gene, results from a G to A substitution at nucleotide position 644. The arginine at codon 215 is replaced by glutamine, an amino acid with highly similar properties. This amino acid position is conserved. In addition, this alteration is predicted to be tolerated by in silico analysis. Since supporting evidence is limited at this time, the clinical significance of this alteration remains unclear.

NM_080732.4(EGLN2):c.644G>A (p.Arg215Gln)

Genes: EGLN2 (egl-9 family hypoxia inducible factor 2; plus strand), RAB4B-EGLN2 (RAB4B-EGLN2 readthrough (NMD candidate); plus strand). Cytogenetic location: 19q13.2.
Variant type: single nucleotide variant.
Coding change: c.644G>A on transcript NM_080732.4 (MANE Select); coding-DNA position 644, G replaced by A.
Protein change: p.Arg215Gln; replaces arginine 215 with glutamine.
Molecular consequence: missense variant. On other transcripts: non-coding transcript variant (1).
Genome position (GRCh38, 1-based): chr19:40,801,216, G>A. VCF-style: chr19-40801216-G-A. GRCh37 (hg19) VCF-style: chr19-41307121-G-A.
Other names: c.644G>A, p.Arg215Gln (NM_053046.4); short protein forms R215Q.
Identifiers: ClinVar variation 1753595 (VCV001753595.2), dbSNP rs1483477472, ClinGen allele CA405955688.